The following is an entry in ClinVar:

ClinVar aggregate classification (germline): Uncertain significance. Review status: criteria provided, multiple submitters, no conflicts (2 of 4 stars). 3 submissions from 3 submitters: Uncertain significance (3). Last evaluated 2025-07-01.

Conditions:
Arrhythmogenic right ventricular dysplasia 9 (ARVD9). Also called: Arrhythmogenic Right Ventricular Dysplasia/Cardiomyopathy 9; ARRHYTHMOGENIC RIGHT VENTRICULAR DYSPLASIA, FAMILIAL, 9. Identifiers: MedGen C1836906, MONDO:0012180, OMIM 609040.
Cardiomyopathy (CMYO). Also called: Cardiomyopathies. Identifiers: Orphanet 167848, MedGen C0878544, MONDO:0004994, HP:0001638. Inheritance: Various modes of inheritance.
Cardiovascular phenotype. Identifiers: MedGen CN230736.

Allele frequency attached by ClinVar (database versions not stated): gnomAD exomes below 0.00001.
gnomAD v4.1: 2 of 1,614,114 alleles (0.00012%); highest among the groups gnomAD compares: Non-Finnish European, 0.000085%; no homozygotes.

Submissions (3):

Labcorp Genetics (formerly Invitae), Labcorp
Classification: Uncertain significance for Arrhythmogenic right ventricular dysplasia 9. Last evaluated: 2025-07-01. Review status: criteria provided, single submitter. Criteria: Invitae Variant Classification Sherloc (09022015). Collection method: clinical testing. Allele origin: germline.
Comment: This sequence change replaces valine, which is neutral and non-polar, with methionine, which is neutral and non-polar, at codon 608 of the PKP2 protein (p.Val608Met). This variant is present in population databases (no rsID available, gnomAD 0.004%). This variant has not been reported in the literature in individuals affected with PKP2-related conditions. ClinVar contains an entry for this variant (Variation ID: 924404). An algorithm developed to predict the effect of missense changes on protein structure and function (PolyPhen-2) suggests that this variant is likely to be disruptive. In summary, the available evidence is currently insufficient to determine the role of this variant in disease. Therefore, it has been classified as a Variant of Uncertain Significance.

Color Diagnostics, LLC DBA Color Health
Classification: Uncertain significance for Cardiomyopathy. Last evaluated: 2024-03-06. Review status: criteria provided, single submitter. Criteria: ACMG Guidelines, 2015. Collection method: clinical testing. Allele origin: germline.
Comment: This missense variant replaces valine with methionine at codon 608 of the PKP2 protein. Computational prediction is inconclusive regarding the impact of this variant on protein structure and function (internally defined REVEL score threshold 0.5 < inconclusive < 0.7, PMID: 27666373). To our knowledge, functional studies have not been reported for this variant. This variant has not been reported in individuals affected with PKP2-related disorders in the literature. This variant has been identified in 1/251212 chromosomes in the general population by the Genome Aggregation Database (gnomAD). The available evidence is insufficient to determine the role of this variant in disease conclusively. Therefore, this variant is classified as a Variant of Uncertain Significance.

Ambry Genetics
Classification: Uncertain significance for Cardiovascular phenotype. Last evaluated: 2023-11-27. Review status: criteria provided, single submitter. Criteria: Ambry Variant Classification Scheme 2023. Collection method: clinical testing. Allele origin: germline.
Comment: The p.V608M variant (also known as c.1822G>A), located in coding exon 9 of the PKP2 gene, results from a G to A substitution at nucleotide position 1822. The valine at codon 608 is replaced by methionine, an amino acid with highly similar properties. This amino acid position is highly conserved in available vertebrate species. In addition, this alteration is predicted to be deleterious by in silico analysis. Since supporting evidence is limited at this time, the clinical significance of this alteration remains unclear.

NM_001005242.3(PKP2):c.1690G>A (p.Val564Met)

Gene: PKP2 (plakophilin 2; minus strand). Cytogenetic location: 12p11.21.
Variant type: single nucleotide variant.
Coding change: c.1690G>A on transcript NM_001005242.3 (MANE Select); coding-DNA position 1690, G replaced by A.
Protein change: p.Val564Met; replaces valine 564 with methionine.
Molecular consequence: missense variant.
Genome position (GRCh38, 1-based): chr12:32,822,616, C>T on the plus strand (G>A on the coding strand, the complement: PKP2 is on the minus strand). VCF-style: chr12-32822616-C-T. GRCh37 (hg19) VCF-style: chr12-32975550-C-T.
Other names: c.1822G>A, p.Val608Met (NM_004572.4); short protein forms V608M, V564M.
Identifiers: ClinVar variation 924404 (VCV000924404.12), dbSNP rs1565581029, ClinGen allele CA384363605.